The following is an entry in ClinVar:

ClinVar aggregate classification (germline): Likely benign (1 of 4 stars; one submission).

gnomAD v4.1: 13 of 1,614,040 alleles (0.00081%); highest among the groups gnomAD compares: South Asian, 0.0055%; 1 homozygote.

Submission:

CeGaT Center for Human Genetics Tuebingen
Classification: Likely benign. Last evaluated: 2026-01-01. Review status: criteria provided, single submitter. Criteria: CeGaT Center For Human Genetics Tuebingen Variant Classification Criteria Version 2. Collection method: clinical testing. Allele origin: germline. Affected: yes. Observed: 1 variant allele.
Comment: KCNQ5: BP4, BP7

NM_019842.4(KCNQ5):c.1350C>T (p.Thr450=)

Gene: KCNQ5 (potassium voltage-gated channel subfamily Q member 5; plus strand). Cytogenetic location: 6q13.
Variant type: single nucleotide variant.
Coding change: c.1350C>T on transcript NM_019842.4 (MANE Select); coding-DNA position 1350, C replaced by T.
Protein change: p.Thr450=; no amino-acid change (threonine 450 retained).
Molecular consequence: synonymous variant. On other transcripts: intron variant (1).
Genome position (GRCh38, 1-based): chr6:73,133,523, C>T. VCF-style: chr6-73133523-C-T. GRCh37 (hg19) VCF-style: chr6-73843246-C-T.
Other names: c.1323C>T, p.Thr441= (NM_001160130.2); c.1380C>T, p.Thr460= (NM_001160132.2); c.1407C>T, p.Thr469= (NM_001160133.2); c.1247+9011C>T (NM_001160134.2).
Identifiers: ClinVar variation 4821070 (VCV004821070.4).